The following is an entry in ClinVar:

NM_002291.3(LAMB1):c.4727AAG[1] (p.Glu1577del)

Gene: LAMB1 (laminin subunit beta 1; minus strand). Cytogenetic location: 7q31.1.
Variant type: Microsatellite.
Coding change: c.4727AAG[1] on transcript NM_002291.3 (MANE Select); one copy of the 3-base unit AAG starting at c.4727; the reference has two copies in a row; one copy, 3 bases deleted.
Protein change: p.Glu1577del; deletes glutamic acid 1577.
Molecular consequence: inframe deletion.
Genome position (GRCh38, 1-based): chr7:107,929,425-107,929,427, CTT deleted on the plus strand (AAG on the coding strand, the reverse complement: LAMB1 is on the minus strand); deleting any 3 consecutive bases within chr7:107,929,425-107,929,432 gives the same sequence; the position shown is the placement nearest the transcript's 3' end. VCF-style (leftmost placement, unchanged base first): chr7-107929424-GCTT-G. GRCh37 (hg19) VCF-style: chr7-107569869-GCTT-G.
Other names: short protein forms E1577del.
Identifiers: ClinVar variation 1305181 (VCV001305181.2), dbSNP rs1336466071, ClinGen allele CA577199178.

ClinVar aggregate classification (germline): Uncertain significance (1 of 4 stars; one submission).

Submission:

GeneDx
Classification: Uncertain significance. Last evaluated: 2019-04-11. Review status: criteria provided, single submitter. Criteria: GeneDx Variant Classification Process June 2021. Collection method: clinical testing. Allele origin: germline. Affected: yes.
Comment: Not observed at a significant frequency in large population cohorts (Lek et al., 2016); In-frame deletion of one amino acid in a non-repeat region; In silico analysis, which includes protein predictors and evolutionary conservation, supports a deleterious effect; Has not been previously published as pathogenic or benign to our knowledge